The following is an entry in ClinVar:

ClinVar aggregate classification (germline): Uncertain significance. Review status: criteria provided, multiple submitters, no conflicts (2 of 4 stars). 2 submissions from 2 submitters: Uncertain significance (2). Last evaluated 2025-09-02.

Conditions:
Inborn genetic diseases. Identifiers: MedGen C0950123, MeSH D030342.

Allele frequency attached by ClinVar (database versions not stated): gnomAD 0.00001; gnomAD exomes 0.00001.

Submissions (2):

Labcorp Genetics (formerly Invitae), Labcorp
Classification: Uncertain significance. Last evaluated: 2025-09-02. Review status: criteria provided, single submitter. Criteria: Invitae Variant Classification Sherloc (09022015). Collection method: clinical testing. Allele origin: germline.
Comment: This sequence change replaces glycine, which is neutral and non-polar, with serine, which is neutral and polar, at codon 260 of the SLC34A1 protein (p.Gly260Ser). This variant is present in population databases (rs755335113, gnomAD 0.004%). This variant has not been reported in the literature in individuals affected with SLC34A1-related conditions. ClinVar contains an entry for this variant (Variation ID: 1920214). Invitae Evidence Modeling of protein sequence and biophysical properties (such as structural, functional, and spatial information, amino acid conservation, physicochemical variation, residue mobility, and thermodynamic stability) indicates that this missense variant is not expected to disrupt SLC34A1 protein function with a negative predictive value of 80%. In summary, the available evidence is currently insufficient to determine the role of this variant in disease. Therefore, it has been classified as a Variant of Uncertain Significance.

Ambry Genetics
Classification: Uncertain significance for Inborn genetic diseases. Last evaluated: 2024-12-11. Review status: criteria provided, single submitter. Criteria: Ambry Variant Classification Scheme 2023. Collection method: clinical testing. Allele origin: germline.

NM_003052.5(SLC34A1):c.778G>A (p.Gly260Ser)

Gene: SLC34A1 (solute carrier family 34 member 1; plus strand). Cytogenetic location: 5q35.3.
Variant type: single nucleotide variant.
Coding change: c.778G>A on transcript NM_003052.5 (MANE Select); coding-DNA position 778, G replaced by A.
Protein change: p.Gly260Ser; replaces glycine 260 with serine.
Molecular consequence: missense variant.
Genome position (GRCh38, 1-based): chr5:177,388,127, G>A. VCF-style: chr5-177388127-G-A. GRCh37 (hg19) VCF-style: chr5-176815128-G-A.
Other names: c.778G>A, p.Gly260Ser (NM_001167579.2); c.778G>A (NM_003052.4); short protein forms G260S.
Identifiers: ClinVar variation 1920214 (VCV001920214.6), dbSNP rs755335113, ClinGen allele CA3580517.